The following is an entry in ClinVar:

ClinVar aggregate classification (germline): Likely benign (1 of 4 stars; one submission).

Submission:

Mayo Clinic Laboratories, Mayo Clinic
Classification: Likely benign. Last evaluated: 2025-06-12. Review status: criteria provided, single submitter. Criteria: ACMG Guidelines, 2015. Collection method: clinical testing. Allele origin: germline. Observed: 1 variant allele.
Comment: BP4, BP7, PM2_supporting

NM_000071.3(CBS):c.1131A>G (p.Ser377=)

Gene: CBS (cystathionine beta-synthase; minus strand). Cytogenetic location: 21q22.3.
Variant type: single nucleotide variant.
Coding change: c.1131A>G on transcript NM_000071.3 (MANE Select); coding-DNA position 1131, A replaced by G.
Protein change: p.Ser377=; no amino-acid change (serine 377 retained).
Molecular consequence: synonymous variant.
Genome position (GRCh38, 1-based): chr21:43,060,455, T>C on the plus strand (A>G on the coding strand, the complement: CBS is on the minus strand). VCF-style: chr21-43060455-T-C. GRCh37 (hg19) VCF-style: chr21-44480565-T-C.
Other names: p.Ser377=; c.1131A>G, p.Ser377= (NM_001178008.3, NM_001178009.3, NM_001320298.2); c.816A>G, p.Ser272= (NM_001321072.1).
Identifiers: ClinVar variation 4684435 (VCV004684435.1).